The following is an entry in ClinVar:

NM_004562.3(PRKN):c.743del (p.Val248fs)

Gene: PRKN (parkin RBR E3 ubiquitin protein ligase; minus strand). Cytogenetic location: 6q26.
Variant type: Deletion.
Coding change: c.743del on transcript NM_004562.3 (MANE Select); coding-DNA position 743, one base deleted (T; older notation c.743delT).
Protein change: p.Val248fs; shifts the reading frame from valine 248.
Molecular consequence: frameshift variant.
Genome position (GRCh38, 1-based): chr6:161,785,900, A deleted on the plus strand (T on the coding strand, the reverse complement: PRKN is on the minus strand). VCF-style (leftmost placement, unchanged base first): chr6-161785899-GA-G. GRCh37 (hg19) VCF-style: chr6-162206931-GA-G.
Other names: c.659del, p.Val220fs (NM_013987.3); c.296del, p.Val99fs (NM_013988.3); short protein forms V220fs, V248fs, V99fs.
Identifiers: ClinVar variation 994922 (VCV000994922.1), dbSNP rs1790398941, ClinGen allele CA1139659943.

ClinVar aggregate classification (germline): Pathogenic (1 of 4 stars; one submission).

Submission:

Athena Diagnostics
Classification: Pathogenic. Last evaluated: 2020-04-15. Review status: criteria provided, single submitter. Criteria: Athena Diagnostics Criteria. Collection method: clinical testing. Allele origin: unknown.
Comment: The variant results in a shift of the reading frame, and is therefore predicted to result in the loss of a functional protein. Found in at least one patient with expected phenotype for this gene, and not found in general population data.